The following is an entry in ClinVar:

NM_024642.5(GALNT12):c.34_67del (p.Arg12fs)

Genes: GALNT12 (polypeptide N-acetylgalactosaminyltransferase 12; plus strand), LOC130002222 (ATAC-STARR-seq lymphoblastoid silent region 20123; plus strand). Cytogenetic location: 9q22.33.
Variant type: Deletion.
Coding change: c.34_67del on transcript NM_024642.5 (MANE Select); coding-DNA positions 34 to 67, 34 bases deleted.
Protein change: p.Arg12fs; shifts the reading frame from arginine 12.
Molecular consequence: frameshift variant.
Genome position (GRCh38, 1-based): chr9:98,807,732-98,807,765, 34 bases deleted; deleting any 34 consecutive bases within chr9:98,807,731-98,807,765 gives the same sequence; the c. name uses the placement nearest the transcript's 3' end. GRCh37 (hg19): chr9:101,570,014-101,570,047.
Other names: short protein forms R12fs.
Identifiers: ClinVar variation 1731065 (VCV001731065.2), dbSNP rs2490454688, ClinGen allele CA2580080821.

ClinVar aggregate classification (germline): Uncertain significance (1 of 4 stars; one submission).

Submission:

Ambry Genetics
Classification: Uncertain significance. Last evaluated: 2021-01-14. Review status: criteria provided, single submitter. Criteria: Ambry Variant Classification Scheme 2023. Collection method: clinical testing. Allele origin: germline.
Comment: The c.34_67del34 variant, located in coding exon 1 of the GALNT12 gene, results from a deletion of 34 nucleotides at nucleotide positions 34 to 67, causing a translational frameshift with a predicted alternate stop codon (p.R12Cfs*120). This alteration is expected to result in premature protein truncation or nonsense-mediated mRNA decay. However, the gene-disease association for GALNT12 is limited. Since supporting evidence is limited at this time, the clinical significance of this alteration remains unclear.